The following is an entry in ClinVar:

NM_022124.6(CDH23):c.2734-10T>C

Gene: CDH23 (cadherin related 23; plus strand). Cytogenetic location: 10q22.1.
Variant type: single nucleotide variant.
Coding change: c.2734-10T>C on transcript NM_022124.6 (MANE Select); 10 bases into the intron before coding-DNA position 2734, T replaced by C.
Molecular consequence: intron variant.
Genome position (GRCh38, 1-based): chr10:71,704,901, T>C. VCF-style: chr10-71704901-T-C. GRCh37 (hg19) VCF-style: chr10-73464658-T-C.
Other names: c.2734-10T>C (NM_001171930.2, NM_001171931.2).
Identifiers: ClinVar variation 3032896 (VCV003032896.2), dbSNP rs2494060522, ClinGen allele CA2609545277.
Genomic context (GRCh38, chr10:71,704,901, plus strand): 5'-ACTTCTTGGGGGAGAAGCATCCATCCCAGTGTCCCCTCCCCACCCTCATGCTGCCCCTCC[T>C]TGCCCTCAGGTGGTGGCCATCGACCTCGATGAGGGCCTGAACGGCCTGGTGTCCTACCGC-3'

ClinVar aggregate classification (germline): Likely benign (0 of 4 stars; one submission).

Conditions:
CDH23-related disorder. Also called: CDH23-related condition; CDH23-related disorders.

Allele frequency attached by ClinVar (database versions not stated): gnomAD exomes below 0.00001.
gnomAD v4.1: 1 of 1,606,326 alleles (0.000062%); highest among the groups gnomAD compares: Non-Finnish European, 0.000085%; no homozygotes.

Submission:

PreventionGenetics, part of Exact Sciences
Classification: Likely benign for CDH23-related condition. Last evaluated: 2020-09-10. Review status: no assertion criteria provided. Collection method: clinical testing. Allele origin: germline.
Comment: This variant is classified as likely benign based on ACMG/AMP sequence variant interpretation guidelines (Richards et al. 2015 PMID: 25741868, with internal and published modifications).